The following is an entry in ClinVar:

ClinVar aggregate classification (germline): Uncertain significance (1 of 4 stars; one submission).

Submission:

GeneDx
Classification: Uncertain significance. Last evaluated: 2023-10-13. Review status: criteria provided, single submitter. Criteria: GeneDx Variant Classification Process June 2021. Collection method: clinical testing. Allele origin: germline. Affected: yes.
Comment: Has not been previously published as pathogenic or benign to our knowledge; Not observed at significant frequency in large population cohorts (gnomAD); In silico analysis supports that this missense variant does not alter protein structure/function

NM_002860.4(ALDH18A1):c.760G>T (p.Ala254Ser)

Gene: ALDH18A1 (aldehyde dehydrogenase 18 family member A1; minus strand). Cytogenetic location: 10q24.1.
Variant type: single nucleotide variant.
Coding change: c.760G>T on transcript NM_002860.4 (MANE Select); coding-DNA position 760, G replaced by T.
Protein change: p.Ala254Ser; replaces alanine 254 with serine.
Molecular consequence: missense variant.
Genome position (GRCh38, 1-based): chr10:95,633,007, C>A on the plus strand (G>T on the coding strand, the complement: ALDH18A1 is on the minus strand). VCF-style: chr10-95633007-C-A. GRCh37 (hg19) VCF-style: chr10-97392764-C-A.
Other names: c.754G>T, p.Ala252Ser (NM_001017423.2, NM_001323415.2); c.427G>T, p.Ala143Ser (NM_001323412.2, NM_001323416.2); c.760G>T, p.Ala254Ser (NM_001323413.2, NM_001323414.2); c.655G>T, p.Ala219Ser (NM_001323417.2); c.421G>T, p.Ala141Ser (NM_001323418.2); c.124G>T, p.Ala42Ser (NM_001323419.2); short protein forms A141S, A143S, A219S, A252S, A254S, A42S.
Identifiers: ClinVar variation 3365952 (VCV003365952.1).